The following is an entry in ClinVar:

ClinVar aggregate classification (germline): Uncertain significance (1 of 4 stars; one submission).

Conditions:
Neurodevelopmental disorder, mitochondrial, with abnormal movements and lactic acidosis, with or without seizures. Identifiers: Orphanet 572798, MedGen C4540192, MONDO:0060578, OMIM 617710.

Submission:

3billion
Classification: Uncertain significance for Neurodevelopmental disorder, mitochondrial, with abnormal movements and lactic acidosis, with or without seizures. Last evaluated: 2024-06-18. Review status: criteria provided, single submitter. Criteria: ACMG Guidelines, 2015. Collection method: clinical testing. Allele origin: germline. Affected: yes.
Comment: The variant is not observed in the gnomAD v4.0.0 dataset. Predicted Consequence/Location: Missense variant Damaging effect on gene or gene product predicted by in silico programs is uncertain [REVEL: 0.53 (damaging >=0.6, benign <0.4)]. Therefore, this variant is classified as VUS according to the recommendation of ACMG/AMP guideline.

NM_015836.4(WARS2):c.692A>G (p.Asp231Gly)

Gene: WARS2 (tryptophanyl tRNA synthetase 2, mitochondrial; minus strand). Cytogenetic location: 1p12.
Variant type: single nucleotide variant.
Coding change: c.692A>G on transcript NM_015836.4 (MANE Select); coding-DNA position 692, A replaced by G.
Protein change: p.Asp231Gly; replaces aspartic acid 231 with glycine.
Molecular consequence: missense variant. On other transcripts: 3 prime UTR variant (2).
Genome position (GRCh38, 1-based): chr1:119,033,302, T>C on the plus strand (A>G on the coding strand, the complement: WARS2 is on the minus strand). VCF-style: chr1-119033302-T-C. GRCh37 (hg19) VCF-style: chr1-119575925-T-C.
Other names: c.623A>G, p.Asp208Gly (NM_001378226.1, NM_001378227.1); c.521A>G, p.Asp174Gly (NM_001378228.1); c.434A>G, p.Asp145Gly (NM_001378229.1); c.410A>G, p.Asp137Gly (NM_001378230.1); c.*27A>G (NM_001378231.1); c.*58A>G (NM_201263.2); short protein forms D137G, D145G, D174G, D208G, D231G.
Identifiers: ClinVar variation 4293539 (VCV004293539.1).